The following is an entry in ClinVar:

NM_000553.6(WRN):c.58A>G (p.Asn20Asp)

Gene: WRN (WRN RecQ like helicase; plus strand). Cytogenetic location: 8p12.
Variant type: single nucleotide variant.
Coding change: c.58A>G on transcript NM_000553.6 (MANE Select); coding-DNA position 58, A replaced by G.
Protein change: p.Asn20Asp; replaces asparagine 20 with aspartic acid.
Molecular consequence: missense variant.
Genome position (GRCh38, 1-based): chr8:31,058,505, A>G. VCF-style: chr8-31058505-A-G. GRCh37 (hg19) VCF-style: chr8-30916021-A-G.
Other names: short protein forms N20D.
Identifiers: ClinVar variation 1063909 (VCV001063909.4), dbSNP rs1233624462, ClinGen allele CA370912190.

ClinVar aggregate classification (germline): Conflicting classifications of pathogenicity. Review status: criteria provided, conflicting classifications (1 of 4 stars). 2 submissions from 2 submitters: Uncertain significance (1); Benign (1). Last evaluated 2022-05-04.

Conditions:
Werner syndrome (WRN). Identifiers: Orphanet 902, MedGen C0043119, MONDO:0010196, OMIM 277700.

Allele frequency attached by ClinVar (database versions not stated): gnomAD exomes below 0.00001; TOPMed below 0.00001; gnomAD 0.00001.
gnomAD v4.1: 2 of 1,613,748 alleles (0.00012%); highest among the groups gnomAD compares: Non-Finnish European, 0.00017%; no homozygotes.

Submissions (2):

Mendelics
Classification: Benign. Last evaluated: 2022-05-04. Review status: criteria provided, single submitter. Criteria: Mendelics Assertion Criteria 2019. Collection method: clinical testing. Allele origin: germline.

Labcorp Genetics (formerly Invitae), Labcorp
Classification: Uncertain significance for Werner syndrome. Last evaluated: 2020-10-27. Review status: criteria provided, single submitter. Criteria: Invitae Variant Classification Sherloc (09022015). Collection method: clinical testing. Allele origin: germline.
Comment: In summary, the available evidence is currently insufficient to determine the role of this variant in disease. Therefore, it has been classified as a Variant of Uncertain Significance. Algorithms developed to predict the effect of missense changes on protein structure and function are either unavailable or do not agree on the potential impact of this missense change (SIFT: "Not Available"; PolyPhen-2: "Benign"; Align-GVGD: "Not Available"). This variant has not been reported in the literature in individuals with WRN-related conditions. This variant is not present in population databases (ExAC no frequency). This sequence change replaces asparagine with aspartic acid at codon 20 of the WRN protein (p.Asn20Asp). The asparagine residue is weakly conserved and there is a small physicochemical difference between asparagine and aspartic acid.